The following continues an entry in ClinVar:

NM_003126.4(SPTA1):c.83G>A (p.Arg28His)

Gene: SPTA1. ClinVar aggregate classification (germline): Pathogenic/Likely pathogenic. Pathogenic (11); Likely pathogenic (1).

Submissions 9 to 14 of 14:

Blueprint Genetics
Classification: Pathogenic for SPTA1-related disorders. Last evaluated: 2024-06-07. Review status: criteria provided, single submitter. Criteria: ACMG Guidelines, 2015. Collection method: clinical testing. Allele origin: germline. Affected: yes. Observed: 3 variant alleles.

Laboratorio de Genetica e Diagnostico Molecular, Hospital Israelita Albert Einstein
Classification: Likely pathogenic for Elliptocytosis 2. Last evaluated: 2022-07-08. Review status: criteria provided, single submitter. Criteria: ACMG Guidelines, 2015. Collection method: clinical testing. Allele origin: germline. Affected: yes. Observed: 1 variant allele.
Comment: ACMG classification criteria: PS3 supporting, PM5 moderated, PM6 moderated, PP1 strong

Rare Disease Group, Clinical Genetics, Karolinska Institutet
Classification: Pathogenic for Prenatal anemia. Last evaluated: 2019-04-09. Review status: criteria provided, single submitter. Criteria: ACMG Guidelines, 2015. Collection method: clinical testing. Allele origin: germline. Affected: yes.

Neuberg Centre For Genomic Medicine, NCGM
Classification: Pathogenic for Elliptocytosis 2. Review status: criteria provided, single submitter. Criteria: ACMG Guidelines, 2015. Collection method: clinical testing. Allele origin: germline. Inheritance: Autosomal dominant inheritance. Affected: yes.
Comment: The c.83G>A (p.Arg28His) missense variant (published as R22H due to alternate nomenclature) in SPTA1 gene has been reported previously in a multigenerational family with either hereditary elliptocytosis (HE) or hereditary pyropoikilocytosis (Garbarz et al., 1990). Functional characterization of protein harboring the R28H variant indicate no detectable binding affinity to the beta subunit, thus abolishing tetramer formation (Gaetani et al., 2008). This variant is reported with the allele frequency (0.001%) in the gnomAD and novel in 1000 genome database. This variant has been reported to the ClinVar database as Pathogenic. The amino acid Arg at position 28 is changed to a His changing protein sequence and it might alter its composition and physico-chemical properties. The amino acid change p.Arg28His in SPTA1 is predicted as conserved by GERP++ and PhyloP across 100 vertebrates. For these reasons, this variant has been classified as Pathogenic.

OMIM
Classification: Pathogenic for ELLIPTOCYTOSIS 2. Last evaluated: 1991-05-01. Review status: no assertion criteria provided. Collection method: literature only. Allele origin: germline. Not counted in ClinVar's aggregate classification.

OMIM
Classification: Pathogenic for PYROPOIKILOCYTOSIS, HEREDITARY. Last evaluated: 1991-05-01. Review status: no assertion criteria provided. Collection method: literature only. Allele origin: germline. Not counted in ClinVar's aggregate classification.

Literature cited by the submitters: PubMed 1679439 (cited by 3 submitters); PubMed 18218854 (cited by 4 submitters); PubMed 2328319 (cited by 5 submitters); PubMed 7819065 (cited by Mayo Clinic Laboratories, Mayo Clinic); PubMed 28090778 (cited by Labcorp Genetics (formerly Invitae), Labcorp); PubMed 29729090 (cited by Labcorp Genetics (formerly Invitae), Labcorp); PubMed 31286676 (cited by Labcorp Genetics (formerly Invitae), Labcorp); PubMed 30317022 (cited by Johns Hopkins Genomics, Johns Hopkins University); PubMed 31723846 (cited by Johns Hopkins Genomics, Johns Hopkins University); PubMed 35961434 (cited by Johns Hopkins Genomics, Johns Hopkins University); PubMed 36071563 (cited by Johns Hopkins Genomics, Johns Hopkins University); PubMed 36278520 (cited by Johns Hopkins Genomics, Johns Hopkins University); PubMed 37697358 (cited by Johns Hopkins Genomics, Johns Hopkins University); PubMed 3708157 (cited by OMIM); PubMed 4077050 (cited by OMIM); PubMed 2043465 (cited by OMIM); PubMed 7074218 (cited by OMIM).